The following is an entry in ClinVar:

NM_006267.5(RANBP2):c.1223A>T (p.Asn408Ile)

Gene: RANBP2 (RAN binding protein 2; plus strand). Cytogenetic location: 2q13.
Variant type: single nucleotide variant.
Coding change: c.1223A>T on transcript NM_006267.5 (MANE Select); coding-DNA position 1223, A replaced by T.
Protein change: p.Asn408Ile; replaces asparagine 408 with isoleucine.
Molecular consequence: missense variant.
Genome position (GRCh38, 1-based): chr2:108,749,079, A>T. VCF-style: chr2-108749079-A-T. GRCh37 (hg19) VCF-style: chr2-109365535-A-T.
Other names: c.1223A>T, p.Asn408Ile (NM_001415871.1, NM_001415873.1); c.1220A>T, p.Asn407Ile (NM_001415872.1); short protein forms N407I, N408I.
Identifiers: ClinVar variation 4810521 (VCV004810521.1).

ClinVar aggregate classification (germline): Uncertain significance (1 of 4 stars; one submission).

Conditions:
Familial acute necrotizing encephalopathy (IIAE3). Also called: ENCEPHALOPATHY, ACUTE, INFECTION-INDUCED, SUSCEPTIBILITY TO, 3; Susceptibility to Acute Necrotizing Encephalopathy 1. Identifiers: Orphanet 88619, MedGen C2675556, MONDO:0011953, OMIM 608033.

Submission:

Labcorp Genetics (formerly Invitae), Labcorp
Classification: Uncertain significance for Familial acute necrotizing encephalopathy. Last evaluated: 2025-11-19. Review status: criteria provided, single submitter. Criteria: Invitae Variant Classification Sherloc (09022015). Collection method: clinical testing. Allele origin: germline.
Comment: This sequence change replaces asparagine, which is neutral and polar, with isoleucine, which is neutral and non-polar, at codon 408 of the RANBP2 protein (p.Asn408Ile). This variant is not present in population databases (gnomAD no frequency). This variant has not been reported in the literature in individuals affected with RANBP2-related conditions. An algorithm developed to predict the effect of missense changes on protein structure and function (PolyPhen-2) suggests that this variant is likely to be tolerated. In summary, the available evidence is currently insufficient to determine the role of this variant in disease. Therefore, it has been classified as a Variant of Uncertain Significance.